The following is an entry in ClinVar:

ClinVar aggregate classification (germline): Benign/Likely benign. Review status: criteria provided, multiple submitters, no conflicts (2 of 4 stars). 5 submissions from 5 submitters: Benign (1); Likely benign (4). Last evaluated 2024-09-18.

Conditions:
Hereditary cancer-predisposing syndrome. Also called: Hereditary neoplastic syndrome; Neoplastic Syndromes, Hereditary; Tumor predisposition; Hereditary Cancer Syndrome. Identifiers: Orphanet 140162, MedGen C0027672, MeSH D009386, MONDO:0015356.
Hereditary diffuse gastric adenocarcinoma (HDGC). Also called: DIFFUSE GASTRIC AND LOBULAR BREAST CANCER SYNDROME. Identifiers: Orphanet 26106, MedGen C1708349, MONDO:0007648, OMIM 137215.

Allele frequency attached by ClinVar (database versions not stated): gnomAD exomes below 0.00001.
gnomAD v4.1: 1 of 1,614,226 alleles (0.000062%); highest among the groups gnomAD compares: Non-Finnish European, 0.000085%; no homozygotes.

Submissions (5):

Myriad Genetics, Inc.
Classification: Benign for Hereditary diffuse gastric adenocarcinoma. Last evaluated: 2024-09-18. Review status: criteria provided, single submitter. Criteria: Myriad Autosomal Dominant, Autosomal Recessive and X-Linked Classification Criteria (2023). Collection method: clinical testing. Allele origin: unknown.
Comment: This variant is considered benign. This variant is a silent/synonymous amino acid change and it is not expected to impact splicing.

Labcorp Genetics (formerly Invitae), Labcorp
Classification: Likely benign for Hereditary diffuse gastric adenocarcinoma. Last evaluated: 2024-05-06. Review status: criteria provided, single submitter. Criteria: Invitae Variant Classification Sherloc (09022015). Collection method: clinical testing. Allele origin: germline.

Quest Diagnostics Nichols Institute San Juan Capistrano
Classification: Likely benign. Last evaluated: 2023-01-24. Review status: criteria provided, single submitter. Criteria: Quest Diagnostics criteria. Collection method: clinical testing. Allele origin: unknown.

Color Diagnostics, LLC DBA Color Health
Classification: Likely benign for Hereditary cancer-predisposing syndrome. Last evaluated: 2016-11-28. Review status: criteria provided, single submitter. Criteria: ACMG Guidelines, 2015. Collection method: clinical testing. Allele origin: germline.

Ambry Genetics
Classification: Likely benign for Hereditary cancer-predisposing syndrome. Last evaluated: 2016-06-01. Review status: criteria provided, single submitter. Criteria: Ambry Variant Classification Scheme 2023. Collection method: clinical testing. Allele origin: germline.

NM_004360.5(CDH1):c.1368G>A (p.Val456=)

Gene: CDH1 (cadherin 1; plus strand). Cytogenetic location: 16q22.1.
Variant type: single nucleotide variant.
Coding change: c.1368G>A on transcript NM_004360.5 (MANE Select); coding-DNA position 1368, G replaced by A.
Protein change: p.Val456=; no amino-acid change (valine 456 retained).
Molecular consequence: synonymous variant. On other transcripts: 5 prime UTR variant (2).
Genome position (GRCh38, 1-based): chr16:68,815,562, G>A. VCF-style: chr16-68815562-G-A. GRCh37 (hg19) VCF-style: chr16-68849465-G-A.
Other names: c.1368G>A (LRG_301t1); c.1185G>A, p.Val395= (NM_001317184.2); c.-181G>A (NM_001317185.2); c.-452G>A (NM_001317186.2).
Identifiers: ClinVar variation 481016 (VCV000481016.17), dbSNP rs1555516103, ClinGen allele CA496153938.